The following is an entry in ClinVar:

NM_144670.6(A2ML1):c.3982A>G (p.Ser1328Gly)

Gene: A2ML1 (alpha-2-macroglobulin like 1; plus strand). Cytogenetic location: 12p13.31.
Variant type: single nucleotide variant.
Coding change: c.3982A>G on transcript NM_144670.6 (MANE Select); coding-DNA position 3982, A replaced by G.
Protein change: p.Ser1328Gly; replaces serine 1328 with glycine.
Molecular consequence: missense variant.
Genome position (GRCh38, 1-based): chr12:8,868,278, A>G. VCF-style: chr12-8868278-A-G. GRCh37 (hg19) VCF-style: chr12-9020874-A-G.
Other names: c.2509A>G, p.Ser837Gly (NM_001282424.3); short protein forms S1328G, S837G.
Identifiers: ClinVar variation 4726683 (VCV004726683.1).

ClinVar aggregate classification (germline): Uncertain significance (1 of 4 stars; one submission).

Submission:

Labcorp Genetics (formerly Invitae), Labcorp
Classification: Uncertain significance. Last evaluated: 2025-09-05. Review status: criteria provided, single submitter. Criteria: Invitae Variant Classification Sherloc (09022015). Collection method: clinical testing. Allele origin: germline.
Comment: This sequence change replaces serine, which is neutral and polar, with glycine, which is neutral and non-polar, at codon 1328 of the A2ML1 protein (p.Ser1328Gly). This variant is not present in population databases (gnomAD no frequency). This variant has not been reported in the literature in individuals affected with A2ML1-related conditions. An algorithm developed to predict the effect of missense changes on protein structure and function (PolyPhen-2) suggests that this variant is likely to be tolerated. In summary, the available evidence is currently insufficient to determine the role of this variant in disease. Therefore, it has been classified as a Variant of Uncertain Significance.